The following is an entry in ClinVar:

NM_001393797.1(ABCC12):c.1276C>T (p.Gln426Ter)

Gene: ABCC12 (ATP binding cassette subfamily C member 12; minus strand). Cytogenetic location: 16q12.1.
Variant type: single nucleotide variant.
Coding change: c.1276C>T on transcript NM_001393797.1 (MANE Select); coding-DNA position 1276, C replaced by T.
Protein change: p.Gln426Ter; replaces glutamine 426 with a stop codon.
Molecular consequence: nonsense. On other transcripts: non-coding transcript variant (6).
Genome position (GRCh38, 1-based): chr16:48,128,698, G>A on the plus strand (C>T on the coding strand, the complement: ABCC12 is on the minus strand). VCF-style: chr16-48128698-G-A. GRCh37 (hg19) VCF-style: chr16-48162609-G-A.
Other names: c.1276C>T, p.Gln426Ter (NM_001392028.1, NM_033226.3); short protein forms Q426*.
Identifiers: ClinVar variation 4994366 (VCV004994366.1).

ClinVar aggregate classification (germline): Uncertain significance (1 of 4 stars; one submission).

Conditions:
ABCC12-related condition.

Submission:

PreventionGenetics, part of Exact Sciences
Classification: Uncertain significance for ABCC12-related condition. Last evaluated: 2026-05-19. Review status: criteria provided, single submitter. Criteria: ACMG Guidelines, 2015. Collection method: clinical testing. Allele origin: germline.
Comment: The ABCC12 c.1276C>T variant is predicted to result in premature protein termination (p.Gln426*). To our knowledge, this variant has not been reported in the literature or in a large population database (gnomAD), indicating this variant is rare. At this time, the clinical significance of this variant is uncertain due to the absence of conclusive functional and genetic evidence.